The following is an entry in ClinVar:

ClinVar aggregate classification (germline): Uncertain significance (1 of 4 stars; one submission).

Conditions:
WBP11-related disorder. Also called: WBP11-related condition.

Submission:

PreventionGenetics, part of Exact Sciences
Classification: Uncertain significance for WBP11-related condition. Last evaluated: 2025-09-24. Review status: criteria provided, single submitter. Criteria: ACMG Guidelines, 2015. Collection method: clinical testing. Allele origin: germline.
Comment: The WBP11 c.387G>C variant is predicted to result in the amino acid substitution p.Lys129Asn. This variant is the last nucleotide of the exon and is predicted to abolish the canonical splice donor site based on available splicing prediction programs (SpliceAI, Jaganathan et al. 2019. PubMed ID: 30661751). To our knowledge, this variant has not been reported in the literature or in a large population database (gnomAD), indicating this variant is rare. Although we suspect that this variant may be pathogenic, at this time, the clinical significance of this variant is uncertain due to the absence of conclusive functional and genetic evidence.

NM_016312.3(WBP11):c.387G>C (p.Lys129Asn)

Gene: WBP11 (WW domain binding protein 11; minus strand). Cytogenetic location: 12p12.3.
Variant type: single nucleotide variant.
Coding change: c.387G>C on transcript NM_016312.3 (MANE Select); coding-DNA position 387, G replaced by C.
Protein change: p.Lys129Asn; replaces lysine 129 with asparagine.
Molecular consequence: missense variant.
Genome position (GRCh38, 1-based): chr12:14,796,807, C>G on the plus strand (G>C on the coding strand, the complement: WBP11 is on the minus strand). VCF-style: chr12-14796807-C-G. GRCh37 (hg19) VCF-style: chr12-14949741-C-G.
Other names: short protein forms K129N.
Identifiers: ClinVar variation 4984276 (VCV004984276.1).